The following is an entry in ClinVar:

NM_017514.5(PLXNA3):c.4812G>A (p.Thr1604=)

Gene: PLXNA3 (plexin A3; plus strand). Cytogenetic location: Xq28.
Variant type: single nucleotide variant.
Coding change: c.4812G>A on transcript NM_017514.5 (MANE Select); coding-DNA position 4812, G replaced by A.
Protein change: p.Thr1604=; no amino-acid change (threonine 1604 retained).
Molecular consequence: synonymous variant.
Genome position (GRCh38, 1-based): chrX:154,469,993, G>A. VCF-style: chrX-154469993-G-A. GRCh37 (hg19) VCF-style: chrX-153698336-G-A.
Identifiers: ClinVar variation 3049985 (VCV003049985.2), dbSNP rs1557208815, ClinGen allele CA519296044.
Genomic context (GRCh38, chrX:154,469,993, plus strand): 5'-GGGCCAGGTGGTGGCCTAAGGGTCACATGCATTCTCTGCTCCAGAGAGCTTGCTCCGCAC[G>A]GCCAGCAGCCCTGATAGCCTCCGCTCACGGGCACCCATGATTACGCCTGACCAGGAGACA-3'
Protein context (NP_059984.3, residues 1594-1614): SLSRYESLLR[Thr1604=]ASSPDSLRSR

ClinVar aggregate classification (germline): Likely benign (0 of 4 stars; one submission).

Conditions:
PLXNA3-related disorder. Also called: PLXNA3-related condition.

Allele frequency attached by ClinVar (database versions not stated): TOPMed 0.00002.
gnomAD v4.1: 9 of 1,211,112 alleles (0.00074%); highest among the groups gnomAD compares: Non-Finnish European, 0.00089%; no homozygotes.

Submission:

PreventionGenetics, part of Exact Sciences
Classification: Likely benign for PLXNA3-related condition. Last evaluated: 2023-10-10. Review status: no assertion criteria provided. Collection method: clinical testing. Allele origin: germline.
Comment: This variant is classified as likely benign based on ACMG/AMP sequence variant interpretation guidelines (Richards et al. 2015 PMID: 25741868, with internal and published modifications).